The following is an entry in ClinVar:

NM_206933.4(USH2A):c.12691C>T (p.Gln4231Ter)

Gene: USH2A (usherin; minus strand). Cytogenetic location: 1q41.
Variant type: single nucleotide variant.
Coding change: c.12691C>T on transcript NM_206933.4 (MANE Select); coding-DNA position 12691, C replaced by T.
Protein change: p.Gln4231Ter; replaces glutamine 4231 with a stop codon.
Molecular consequence: nonsense.
Genome position (GRCh38, 1-based): chr1:215,675,220, G>A on the plus strand (C>T on the coding strand, the complement: USH2A is on the minus strand). VCF-style: chr1-215675220-G-A. GRCh37 (hg19) VCF-style: chr1-215848562-G-A.
Other names: short protein forms Q4231*.
Identifiers: ClinVar variation 372544 (VCV000372544.5), dbSNP rs1057517844, ClinGen allele CA16042307.

ClinVar aggregate classification (germline): Pathogenic/Likely pathogenic. Review status: criteria provided, multiple submitters, no conflicts (2 of 4 stars). 3 submissions from 3 submitters: Pathogenic (1); Likely pathogenic (2). Last evaluated 2023-11-04.

Conditions:
USH2A-related disorder. Also called: USH2A-related disorders; USH2A-related condition. Identifiers: MedGen CN239332.
Retinitis pigmentosa 39 (RP39). Identifiers: Orphanet 791, MedGen C3151138, MONDO:0013436, OMIM 613809.

Submissions (3):

Genome-Nilou Lab
Classification: Likely pathogenic for Retinitis pigmentosa 39. Last evaluated: 2023-11-04. Review status: criteria provided, single submitter. Criteria: ACMG Guidelines, 2015. Collection method: clinical testing. Allele origin: germline. Affected: no.

Blueprint Genetics
Classification: Likely pathogenic for USH2A-related disorders. Last evaluated: 2017-12-11. Review status: criteria provided, single submitter. Criteria: ACMG Guidelines, 2015. Collection method: clinical testing. Allele origin: germline. Affected: yes. Observed: 1 variant allele.

GeneDx
Classification: Pathogenic. Last evaluated: 2016-02-05. Review status: criteria provided, single submitter. Criteria: GeneDx Variant Classification (06012015). Collection method: clinical testing. Allele origin: germline. Affected: yes.
Comment: The Q4231X nonsense variant is predicted to cause loss of normal protein function either through protein truncation or nonsense-mediated mRNA decay. The Q4231X variant was not observed in approximately 6,500 individuals of European and African American ancestry in the NHLBI Exome Sequencing Project, indicating it is not a common benign variant in these populations. Therefore, we interpret Q4231X as a pathogenic variant.